The following is an entry in ClinVar:

NM_000252.3(MTM1):c.64-2A>G

Gene: MTM1 (myotubularin 1; plus strand). Cytogenetic location: Xq28.
Variant type: single nucleotide variant.
Coding change: c.64-2A>G on transcript NM_000252.3 (MANE Select); the canonical splice acceptor site of the intron before coding-DNA position 64, A replaced by G.
Molecular consequence: splice acceptor variant.
Genome position (GRCh38, 1-based): chrX:150,596,496, A>G. VCF-style: chrX-150596496-A-G. GRCh37 (hg19) VCF-style: chrX-149764960-A-G.
Other names: c.64-2A>G (NM_001376908.1, NM_001376906.1, NM_001376907.1).
Identifiers: ClinVar variation 649278 (VCV000649278.12), dbSNP rs1603123976, ClinGen allele CA415249632.

ClinVar aggregate classification (germline): Pathogenic. Review status: criteria provided, multiple submitters, no conflicts (2 of 4 stars). 2 submissions from 2 submitters: Pathogenic (2). Last evaluated 2026-01-29.

Conditions:
Severe X-linked myotubular myopathy (CNMX). Also called: MYOTUBULAR MYOPATHY 1; X-linked centronuclear myopathy; Myotubular myopathy, X-linked. Identifiers: Orphanet 596, MedGen C0410203, MONDO:0010683, OMIM 310400.

Submissions (2):

GeneDx
Classification: Pathogenic. Last evaluated: 2026-01-29. Review status: criteria provided, single submitter. Criteria: GeneDx Variant Classification Process June 2021. Collection method: clinical testing. Allele origin: germline.
Comment: Identified in a patient diagnosed with myotubular myopathy by muscle biopsy in published literature (PMID: 11793470); Canonical splice site variant predicted to result in a null allele in a gene for which loss of function is a known mechanism of disease; Not observed at significant frequency in large population cohorts (gnomAD); This variant is associated with the following publications: (PMID: 25525159, 10063835, 9305655, 11793470, Orel2019[Abstract])

Labcorp Genetics (formerly Invitae), Labcorp
Classification: Pathogenic for Severe X-linked myotubular myopathy. Last evaluated: 2022-02-03. Review status: criteria provided, single submitter. Criteria: Invitae Variant Classification Sherloc (09022015). Collection method: clinical testing. Allele origin: germline.
Comment: This variant is not present in population databases (gnomAD no frequency). Disruption of this splice site has been observed in individuals with X-linked myotubular myopathy (PMID: 11793470). ClinVar contains an entry for this variant (Variation ID: 649278). Algorithms developed to predict the effect of sequence changes on RNA splicing suggest that this variant may disrupt the consensus splice site. For these reasons, this variant has been classified as Pathogenic. This sequence change affects an acceptor splice site in intron 2 of the MTM1 gene. It is expected to disrupt RNA splicing. Variants that disrupt the donor or acceptor splice site typically lead to a loss of protein function (PMID: 16199547), and loss-of-function variants in MTM1 are known to be pathogenic (PMID: 9305655, 10063835).

Literature cited by the submitters: PubMed 11793470 (cited by Labcorp Genetics (formerly Invitae), Labcorp); PubMed 16199547 (cited by Labcorp Genetics (formerly Invitae), Labcorp); PubMed 9305655 (cited by Labcorp Genetics (formerly Invitae), Labcorp); PubMed 10063835 (cited by Labcorp Genetics (formerly Invitae), Labcorp).